The following is an entry in ClinVar:

ClinVar aggregate classification (germline): Uncertain significance (1 of 4 stars; one submission).

Allele frequency attached by ClinVar (database versions not stated): ExAC 0.00002; gnomAD 0.00003 and 0.00004; gnomAD exomes 0.00004.
gnomAD v4.1: 96 of 1,613,970 alleles (0.0059%); highest among the groups gnomAD compares: Non-Finnish European, 0.0078%; no homozygotes.

Submission:

Labcorp Genetics (formerly Invitae), Labcorp
Classification: Uncertain significance. Last evaluated: 2021-12-30. Review status: criteria provided, single submitter. Criteria: Invitae Variant Classification Sherloc (09022015). Collection method: clinical testing. Allele origin: germline.
Comment: This sequence change replaces isoleucine, which is neutral and non-polar, with leucine, which is neutral and non-polar, at codon 753 of the ERCC2 protein (p.Ile753Leu). This variant is present in population databases (rs768101288, gnomAD 0.008%). This variant has not been reported in the literature in individuals affected with ERCC2-related conditions. Algorithms developed to predict the effect of missense changes on protein structure and function (SIFT, PolyPhen-2, Align-GVGD) all suggest that this variant is likely to be tolerated. Algorithms developed to predict the effect of sequence changes on RNA splicing suggest that this variant may create or strengthen a splice site. In summary, the available evidence is currently insufficient to determine the role of this variant in disease. Therefore, it has been classified as a Variant of Uncertain Significance.

NM_000400.4(ERCC2):c.2257A>T (p.Ile753Leu)

Gene: ERCC2 (ERCC excision repair 2, TFIIH core complex helicase subunit; minus strand). Cytogenetic location: 19q13.32.
Variant type: single nucleotide variant.
Coding change: c.2257A>T on transcript NM_000400.4 (MANE Select); coding-DNA position 2257, A replaced by T.
Protein change: p.Ile753Leu; replaces isoleucine 753 with leucine.
Molecular consequence: missense variant.
Genome position (GRCh38, 1-based): chr19:45,351,655, T>A on the plus strand (A>T on the coding strand, the complement: ERCC2 is on the minus strand). VCF-style: chr19-45351655-T-A. GRCh37 (hg19) VCF-style: chr19-45854913-T-A.
Other names: short protein forms I753L.
Identifiers: ClinVar variation 1408799 (VCV001408799.3), dbSNP rs768101288, ClinGen allele CA9512798.